The following is an entry in ClinVar:

NM_001101362.3(KBTBD13):c.886G>A (p.Ala296Thr)

Gene: KBTBD13 (kelch repeat and BTB domain containing 13; plus strand). Cytogenetic location: 15q22.31.
Variant type: single nucleotide variant.
Coding change: c.886G>A on transcript NM_001101362.3 (MANE Select); coding-DNA position 886, G replaced by A.
Protein change: p.Ala296Thr; replaces alanine 296 with threonine.
Molecular consequence: missense variant.
Genome position (GRCh38, 1-based): chr15:65,077,701, G>A. VCF-style: chr15-65077701-G-A. GRCh37 (hg19) VCF-style: chr15-65370039-G-A.
Other names: short protein forms A296T.
Identifiers: ClinVar variation 2171371 (VCV002171371.4), dbSNP rs777812954, ClinGen allele CA7614013.

ClinVar aggregate classification (germline): Uncertain significance (1 of 4 stars; one submission).

Conditions:
Nemaline myopathy 6 (NEM6). Also called: Nemaline myopathy 6, autosomal dominant. Identifiers: Orphanet 171439, MedGen C1836472, MONDO:0012237, OMIM 609273.

Allele frequency attached by ClinVar (database versions not stated): ExAC 0.00003.

Submission:

Labcorp Genetics (formerly Invitae), Labcorp
Classification: Uncertain significance for Nemaline myopathy 6. Last evaluated: 2022-01-17. Review status: criteria provided, single submitter. Criteria: Invitae Variant Classification Sherloc (09022015). Collection method: clinical testing. Allele origin: germline.
Comment: In summary, the available evidence is currently insufficient to determine the role of this variant in disease. Therefore, it has been classified as a Variant of Uncertain Significance. Algorithms developed to predict the effect of missense changes on protein structure and function output the following: SIFT: "Tolerated"; PolyPhen-2: "Benign"; Align-GVGD: "Class C0". The threonine amino acid residue is found in multiple mammalian species, which suggests that this missense change does not adversely affect protein function. This variant has not been reported in the literature in individuals affected with KBTBD13-related conditions. This variant is present in population databases (rs777812954, gnomAD 0.001%). This sequence change replaces alanine, which is neutral and non-polar, with threonine, which is neutral and polar, at codon 296 of the KBTBD13 protein (p.Ala296Thr).